The following is an entry in ClinVar:

ClinVar aggregate classification (germline): Pathogenic. Review status: reviewed by expert panel (3 of 4 stars). 2 submissions from 2 submitters: Pathogenic (1). 1 of the submissions does not count toward it. Last evaluated 2024-12-20.

Conditions:
Hereditary antithrombin deficiency (AT3D). Also called: Reduced antithrombin III activity; Antithrombin deficiency; Antithrombin III deficiency; Thrombophilia due to antithrombin III deficiency. Identifiers: Orphanet 82, MedGen C0272375, MONDO:0013144, OMIM 613118, HP:0001976.

Allele frequency attached by ClinVar (database versions not stated): gnomAD exomes below 0.00001.
gnomAD v4.1: 2 of 1,613,860 alleles (0.00012%); highest among the groups gnomAD compares: Non-Finnish European, 0.00017%; no homozygotes.

Submissions (2):

Clingen Thrombosis Variant Curation Expert Panel, ClinGen
Classification: Pathogenic for Hereditary antithrombin deficiency. Last evaluated: 2024-12-20. Review status: reviewed by expert panel. Criteria: ClinGen ACMG Specifications SERPINC1 V1.0.0. Collection method: curation. Allele origin: germline. Inheritance: Autosomal dominant inheritance.
Comment: The c.1171C>T (p.Arg391Ter) variant in SERPINC1 is a nonsense variant that may cause loss of function of the protein, however it is predicted to escape nonsense mediated decay and remove >10% of the protein (PVS1_Strong). At least one patient with this variant displayed an antithrombin activity level of < 0.8 IU/mL on repeated independent studies, which is highly specific for hereditary antithrombin deficiency (PP4, PMID:29153735). This variant has been reported in at least four more probands meeting an antithrombin activity level of < 0.8 IU/mL; due to the absence of specified repeat testing, crossed electrophoresis showing abnormal results and family members with reported antithrombin activity levels below the threshold three of these probands were scored at only half a point. (2.5 points) (PS4_Moderate; PMIDs:34207366, 8217824, 31030036, 23932013). The variant has been reported to segregate with autosomal dominant hereditary antithrombin deficiency in 15 affected family members from two families (PP1_Strong; PMIDs:34207366, 23932013). The highest population minor allele frequency in gnomAD v4.1 is 0.000001 (2/1179816 alleles) in European non-Finnish population, which is lower than the ClinGen Thrombosis VCEP threshold (<0.00002) for PM2_Supporting, meeting this criterion (PM2_Supporting). In summary, this variant meets the criteria to be classified as pathogenic for autosomal dominant hereditary antithrombin deficiency based on the ACMG/AMP criteria applied, as specified by the ClinGen Thrombosis VCEP: PVS1_Strong, PP4, PS4_Moderate, PP1_Strong, PM2_Supporting. (ClinGen Thrombosis Expert Panel Specifications to the ACMG/AMP Variant Interpretation Guidelines for SERPINC1 Version 1.0.0; date of approval)

Labcorp Genetics (formerly Invitae), Labcorp
Classification: Pathogenic for Hereditary antithrombin deficiency. Last evaluated: 2025-04-20. Review status: criteria provided, single submitter. Criteria: Invitae Variant Classification Sherloc (09022015). Collection method: clinical testing. Allele origin: germline. Not counted in ClinVar's aggregate classification.
Comment: This sequence change creates a premature translational stop signal (p.Arg391*) in the SERPINC1 gene. It is expected to result in an absent or disrupted protein product. Loss-of-function variants in SERPINC1 are known to be pathogenic (PMID: 21264449). This variant is not present in population databases (gnomAD no frequency). This premature translational stop signal has been observed in individual(s) with antithrombin deficiency (PMID: 8217824, 29153735). This variant is also known as 9819 C to T, 359 Arg to STOP. ClinVar contains an entry for this variant (Variation ID: 2734038). For these reasons, this variant has been classified as Pathogenic.

Literature cited by the submitters: PubMed 21264449 (cited by Labcorp Genetics (formerly Invitae), Labcorp); PubMed 8217824 (cited by Labcorp Genetics (formerly Invitae), Labcorp); PubMed 29153735 (cited by Labcorp Genetics (formerly Invitae), Labcorp).

NM_000488.4(SERPINC1):c.1171C>T (p.Arg391Ter)

Gene: SERPINC1 (serpin family C member 1; minus strand). Cytogenetic location: 1q25.1.
Variant type: single nucleotide variant.
Coding change: c.1171C>T on transcript NM_000488.4 (MANE Select); coding-DNA position 1171, C replaced by T.
Protein change: p.Arg391Ter; replaces arginine 391 with a stop codon.
Molecular consequence: nonsense.
Genome position (GRCh38, 1-based): chr1:173,907,497, G>A on the plus strand (C>T on the coding strand, the complement: SERPINC1 is on the minus strand). VCF-style: chr1-173907497-G-A. GRCh37 (hg19) VCF-style: chr1-173876635-G-A.
Other names: NM_000488.4(SERPINC1):c.1171C>T; p.Arg391Ter; c.1027C>T, p.Arg343Ter (NM_001365052.2); c.1294C>T, p.Arg432Ter (NM_001386302.1); c.1252C>T, p.Arg418Ter (NM_001386303.1); c.1150C>T, p.Arg384Ter (NM_001386304.1); c.1114C>T, p.Arg372Ter (NM_001386305.1); c.955C>T, p.Arg319Ter (NM_001386306.1); short protein forms R384*, R391*, R418*, R432*, R319*, R343*, R372*.
Identifiers: ClinVar variation 2734038 (VCV002734038.4), dbSNP rs2526559702, ClinGen allele CA343772824.